The following is an entry in ClinVar:

ClinVar aggregate classification (germline): Likely pathogenic (1 of 4 stars; one submission).

Submission:

GeneDx
Classification: Likely pathogenic. Last evaluated: 2013-11-27. Review status: criteria provided, single submitter. Criteria: GeneDx Variant Classification (06012015). Collection method: clinical testing. Allele origin: germline. Affected: yes.
Comment: The Lys193Asn variant in the TNNI3 gene has not been reported as a disease-causing mutation or as a benign polymorphism to our knowledge. Lys193Asn results in a non-conservative amino acid substitution of a positively charged Lysine to a neutral, polar Asparagine at a position that is conserved across species. In silico analysis predicts Lys193Asn is probably damaging to the protein structure/function. Mutations in nearby residues (Asn185Lys, Arg186Gln, Asp190Gly, Arg192cys, Arg192His, and Ile195Met) have been reported in association with cardiomyopathy, further supporting the functional importance of this region of the protein. Furthermore, the Lys193Asn variant was not observed in approximately 6000 individuals of European and African American ancestry in the NHLBI Exome Sequencing Project, indicating it is not a common benign variant in these populations.In summary, while Lys193Asn is a good candidate for a disease-causing mutation, with the clinical and molecular information available at this time we cannot unequivocally determine the clinical significance of this variant. The variant is found in HCM panel(s).

NM_000363.5(TNNI3):c.579G>T (p.Lys193Asn)

Gene: TNNI3 (troponin I3, cardiac type; minus strand). Cytogenetic location: 19q13.42.
Variant type: single nucleotide variant.
Coding change: c.579G>T on transcript NM_000363.5 (MANE Select); coding-DNA position 579, G replaced by T.
Protein change: p.Lys193Asn; replaces lysine 193 with asparagine.
Molecular consequence: missense variant.
Genome position (GRCh38, 1-based): chr19:55,151,888, C>A on the plus strand (G>T on the coding strand, the complement: TNNI3 is on the minus strand). VCF-style: chr19-55151888-C-A. GRCh37 (hg19) VCF-style: chr19-55663256-C-A.
Other names: p.K193N:AAG>AAT; c.579G>T (LRG_432t1); short protein forms K193N.
Identifiers: ClinVar variation 181591 (VCV000181591.2), dbSNP rs397516358, ClinGen allele CA021989.